The following is an entry in ClinVar:

NM_001734.5(C1S):c.856C>T (p.Arg286Cys)

Gene: C1S (complement C1s; plus strand). Cytogenetic location: 12p13.31.
Variant type: single nucleotide variant.
Coding change: c.856C>T on transcript NM_001734.5 (MANE Select); coding-DNA position 856, C replaced by T.
Protein change: p.Arg286Cys; replaces arginine 286 with cysteine.
Molecular consequence: missense variant.
Genome position (GRCh38, 1-based): chr12:7,065,955, C>T. VCF-style: chr12-7065955-C-T. GRCh37 (hg19) VCF-style: chr12-7173259-C-T.
Other names: c.355C>T, p.Arg119Cys (NM_001346850.2); c.856C>T, p.Arg286Cys (NM_201442.4); c.856C>T (NM_201442.2); short protein forms R286C, R119C.
Identifiers: ClinVar variation 1373202 (VCV001373202.9), dbSNP rs781853358, ClinGen allele CA6423591.

ClinVar aggregate classification (germline): Uncertain significance. Review status: criteria provided, multiple submitters, no conflicts (2 of 4 stars). 2 submissions from 2 submitters: Uncertain significance (2). Last evaluated 2025-10-26.

Conditions:
Inborn genetic diseases. Identifiers: MedGen C0950123, MeSH D030342.

Allele frequency attached by ClinVar (database versions not stated): TOPMed below 0.00001; ExAC 0.00001; gnomAD 0.00001.
gnomAD v4.1: 28 of 1,613,820 alleles (0.0017%); highest among the groups gnomAD compares: East Asian, 0.047%; no homozygotes.

Submissions (2):

Labcorp Genetics (formerly Invitae), Labcorp
Classification: Uncertain significance. Last evaluated: 2025-10-26. Review status: criteria provided, single submitter. Criteria: Invitae Variant Classification Sherloc (09022015). Collection method: clinical testing. Allele origin: germline.
Comment: This sequence change replaces arginine, which is basic and polar, with cysteine, which is neutral and slightly polar, at codon 286 of the C1S protein (p.Arg286Cys). This variant is present in population databases (rs781853358, gnomAD 0.01%). This variant has not been reported in the literature in individuals affected with C1S-related conditions. ClinVar contains an entry for this variant (Variation ID: 1373202). Invitae Evidence Modeling of protein sequence and biophysical properties (such as structural, functional, and spatial information, amino acid conservation, physicochemical variation, residue mobility, and thermodynamic stability) indicates that this missense variant is expected to disrupt C1S protein function with a positive predictive value of 80%. Algorithms developed to predict the effect of sequence changes on RNA splicing suggest that this variant may disrupt the consensus splice site. In summary, the available evidence is currently insufficient to determine the role of this variant in disease. Therefore, it has been classified as a Variant of Uncertain Significance.

Ambry Genetics
Classification: Uncertain significance for Inborn genetic diseases. Last evaluated: 2024-08-12. Review status: criteria provided, single submitter. Criteria: Ambry Variant Classification Scheme 2023. Collection method: clinical testing. Allele origin: germline.